The following is an entry in ClinVar:

NM_007373.4(SHOC2):c.425T>G (p.Val142Gly)

Gene: SHOC2 (SHOC2 leucine rich repeat scaffold protein; plus strand). Cytogenetic location: 10q25.2.
Variant type: single nucleotide variant.
Coding change: c.425T>G on transcript NM_007373.4 (MANE Select); coding-DNA position 425, T replaced by G.
Protein change: p.Val142Gly; replaces valine 142 with glycine.
Molecular consequence: missense variant.
Genome position (GRCh38, 1-based): chr10:110,964,783, T>G. VCF-style: chr10-110964783-T-G. GRCh37 (hg19) VCF-style: chr10-112724541-T-G.
Other names: c.425T>G, p.Val142Gly (NM_001269039.3, NM_001324336.2, NM_001324337.2); short protein forms V142G.
Identifiers: ClinVar variation 632982 (VCV000632982.4), dbSNP rs768053004, ClinGen allele CA5689588.

ClinVar aggregate classification (germline): Uncertain significance. Review status: criteria provided, multiple submitters, no conflicts (2 of 4 stars). 2 submissions from 2 submitters: Uncertain significance (2). Last evaluated 2025-08-30.

Conditions:
RASopathy. Also called: rasopathies; Noonan spectrum disorder. Identifiers: Orphanet 536391, MedGen C5555857, MONDO:0021060.

Allele frequency attached by ClinVar (database versions not stated): gnomAD exomes below 0.00001; ExAC 0.00001.

Submissions (2):

Labcorp Genetics (formerly Invitae), Labcorp
Classification: Uncertain significance for RASopathy. Last evaluated: 2025-08-30. Review status: criteria provided, single submitter. Criteria: Invitae Variant Classification Sherloc (09022015). Collection method: clinical testing. Allele origin: germline.
Comment: This sequence change replaces valine, which is neutral and non-polar, with glycine, which is neutral and non-polar, at codon 142 of the SHOC2 protein (p.Val142Gly). This variant is present in population databases (rs768053004, gnomAD 0.006%). This missense change has been observed in individual(s) with clinical features of SHOC2-related conditions (PMID: 29907801). ClinVar contains an entry for this variant (Variation ID: 632982). Invitae Evidence Modeling of protein sequence and biophysical properties (such as structural, functional, and spatial information, amino acid conservation, physicochemical variation, residue mobility, and thermodynamic stability) indicates that this missense variant is not expected to disrupt SHOC2 protein function with a negative predictive value of 80%. In summary, the available evidence is currently insufficient to determine the role of this variant in disease. Therefore, it has been classified as a Variant of Uncertain Significance.

Women's Health and Genetics/Laboratory Corporation of America, LabCorp
Classification: Uncertain significance. Last evaluated: 2018-01-11. Review status: criteria provided, single submitter. Criteria: LabCorp Variant Classification Summary - May 2015. Collection method: clinical testing. Allele origin: germline.

Literature cited by the submitters: PubMed 29907801 (cited by Labcorp Genetics (formerly Invitae), Labcorp).